The following is an entry in ClinVar:

NM_001549.6(IFIT3):c.202G>A (p.Glu68Lys)

Genes: IFIT3 (interferon induced protein with tetratricopeptide repeats 3; plus strand), LIPA (lipase A, lysosomal acid type; minus strand). Cytogenetic location: 10q23.31.
Variant type: single nucleotide variant.
Coding change: c.202G>A on transcript NM_001549.6 (MANE Select); coding-DNA position 202, G replaced by A.
Protein change: p.Glu68Lys; replaces glutamic acid 68 with lysine.
Molecular consequence: missense variant.
Genome position (GRCh38, 1-based): chr10:89,338,857, G>A. VCF-style: chr10-89338857-G-A. GRCh37 (hg19) VCF-style: chr10-91098614-G-A.
Other names: c.202G>A, p.Glu68Lys (NM_001031683.4); c.46G>A, p.Glu16Lys (NM_001289758.2, NM_001289759.2); short protein forms E16K, E68K.
Identifiers: ClinVar variation 2521312 (VCV002521312.4), dbSNP rs768572371, ClinGen allele CA5594192.

ClinVar aggregate classification (germline): Uncertain significance. Review status: criteria provided, multiple submitters, no conflicts (2 of 4 stars). 2 submissions from 2 submitters: Uncertain significance (2). Last evaluated 2025-08-30.

Allele frequency attached by ClinVar (database versions not stated): gnomAD exomes 0.00001; ExAC 0.00002; gnomAD 0.00002; TOPMed 0.00004.
gnomAD v4.1: 19 of 1,613,978 alleles (0.0012%); highest among the groups gnomAD compares: Middle Eastern, 0.016%; no homozygotes.

Submissions (2):

Ambry Genetics
Classification: Uncertain significance. Last evaluated: 2025-08-30. Review status: criteria provided, single submitter. Criteria: Ambry Variant Classification Scheme 2023. Collection method: clinical testing. Allele origin: germline.

Women's Health and Genetics/Laboratory Corporation of America, LabCorp
Classification: Uncertain significance. Last evaluated: 2024-07-30. Review status: criteria provided, single submitter. Criteria: LabCorp Variant Classification Summary - May 2015. Collection method: clinical testing. Allele origin: germline.
Comment: Variant summary: IFIT3 c.202G>A (p.Glu68Lys) results in a conservative amino acid change in the encoded protein sequence. Four of five in-silico tools predict a benign effect of the variant on protein function. The variant allele was found at a frequency of 1.6e-05 in 250928 control chromosomes. The available data on variant occurrences in the general population are insufficient to allow any conclusion about variant significance. To our knowledge, no occurrence of c.202G>A in individuals affected with IFIT3-Related Disorders and no experimental evidence demonstrating its impact on protein function have been reported. ClinVar contains an entry for this variant (Variation ID: 2521312). Based on the evidence outlined above, the variant was classified as uncertain significance.